The following is an entry in ClinVar:

ClinVar aggregate classification (germline): Uncertain significance (1 of 4 stars; one submission).

Conditions:
Bethlem myopathy 1A. Also called: Bethlem Muscular Dystrophy; MYOPATHY, BENIGN CONGENITAL, WITH CONTRACTURES; Bethlem myopathy 1. Identifiers: Orphanet 610, MedGen CN029274, MONDO:0024530, OMIM 158810.

Submission:

Labcorp Genetics (formerly Invitae), Labcorp
Classification: Uncertain significance for Bethlem myopathy 1A. Last evaluated: 2022-02-24. Review status: criteria provided, single submitter. Criteria: Invitae Variant Classification Sherloc (09022015). Collection method: clinical testing. Allele origin: germline.
Comment: This variant is not present in population databases (gnomAD no frequency). In summary, the available evidence is currently insufficient to determine the role of this variant in disease. Therefore, it has been classified as a Variant of Uncertain Significance. This variant disrupts the triple helix domain of COL6A2. Glycine residues within the Gly-Xaa-Yaa repeats of the triple helix domain are required for the structure and stability of fibrillar collagens (PMID: 7695699, 8218237, 19344236). In COL6A2, missense variants at these glycine residues are significantly enriched in individuals with autosomal dominant disease (PMID: 15689448, 24038877) compared to the general population (ExAC). Algorithms developed to predict the effect of sequence changes on RNA splicing suggest that this variant may disrupt the consensus splice site. ClinVar contains an entry for this variant (Variation ID: 476455). This variant has not been reported in the literature in individuals affected with COL6A2-related conditions. This variant, c.1641_1667del, results in the deletion of 9 amino acid(s) of the COL6A2 protein (p.Gly549_Pro557del), but otherwise preserves the integrity of the reading frame.

Literature cited by the submitters: PubMed 7695699; PubMed 8218237; PubMed 19344236; PubMed 15689448; PubMed 24038877.

NM_001849.4(COL6A2):c.1641_1667del (p.Gly549_Pro557del)

Gene: COL6A2 (collagen type VI alpha 2 chain; plus strand). Cytogenetic location: 21q22.3.
Variant type: Deletion.
Coding change: c.1641_1667del on transcript NM_001849.4 (MANE Select); coding-DNA positions 1641 to 1667, 27 bases deleted (ACCTGGGAGGAAAGGAGAGAAAGGAGA).
Protein change: p.Gly549_Pro557del.
Molecular consequence: inframe deletion.
Genome position (GRCh38, 1-based): chr21:46,122,907-46,122,933, ACCTGGGAGGAAAGGAGAGAAAGGAGA deleted; deleting any 27 consecutive bases within chr21:46,122,898-46,122,933 gives the same sequence; the c. name uses the placement nearest the transcript's 3' end. VCF-style (leftmost placement, unchanged base first): chr21-46122897-TGAAAGGAGAACCTGGGAGGAAAGGAGA-T. GRCh37 (hg19) VCF-style: chr21-47542811-TGAAAGGAGAACCTGGGAGGAAAGGAGA-T.
Other names: c.1641_1667delACCTGGGAGGAAAGGAGAGAAAGGAGA (NM_001849.3); c.1641_1667del, p.Gly549_Pro557del (NM_058174.3, NM_058175.3).
Identifiers: ClinVar variation 476455 (VCV000476455.9), dbSNP rs1555874762, ClinGen allele CA658658896.
Genomic context (GRCh38, chr21:46,122,897, plus strand): 5'-CTCCTCTGTCCCAGGCTAACATGTGTTCCCTGTCACAGGGAGGCCGAGGCGACTTTGGCT[TGAAAGGAGAACCTGGGAGGAAAGGAGA>T]GAAAGGAGAGCCTGTGAGTGTCACCGTCCCGAAGCCCACAGCAGCTGGGCAGAGGCAGGG-3'